The following is an entry in ClinVar:

NM_001367561.1(DOCK7):c.2458G>A (p.Ala820Thr)

Gene: DOCK7 (dedicator of cytokinesis 7; minus strand). Cytogenetic location: 1p31.3.
Variant type: single nucleotide variant.
Coding change: c.2458G>A on transcript NM_001367561.1 (MANE Select); coding-DNA position 2458, G replaced by A.
Protein change: p.Ala820Thr; replaces alanine 820 with threonine.
Molecular consequence: missense variant.
Genome position (GRCh38, 1-based): chr1:62,555,963, C>T on the plus strand (G>A on the coding strand, the complement: DOCK7 is on the minus strand). VCF-style: chr1-62555963-C-T. GRCh37 (hg19) VCF-style: chr1-63021634-C-T.
Other names: c.2458G>A, p.Ala820Thr (NM_001271999.2, NM_001272000.2, NM_001272001.2 and 2 more transcripts); short protein forms A820T.
Identifiers: ClinVar variation 2101032 (VCV002101032.4), dbSNP rs981616220, ClinGen allele CA23752083.

ClinVar aggregate classification (germline): Uncertain significance (1 of 4 stars; one submission).

Conditions:
Developmental and epileptic encephalopathy, 23 (DEE23). Also called: Epileptic encephalopathy, early infantile, 23. Identifiers: Orphanet 411986, MedGen C4014492, MONDO:0014371, OMIM 615859.

Submission:

Labcorp Genetics (formerly Invitae), Labcorp
Classification: Uncertain significance for Developmental and epileptic encephalopathy, 23. Last evaluated: 2023-08-17. Review status: criteria provided, single submitter. Criteria: Invitae Variant Classification Sherloc (09022015). Collection method: clinical testing. Allele origin: germline.
Comment: This variant has not been reported in the literature in individuals affected with DOCK7-related conditions. ClinVar contains an entry for this variant (Variation ID: 2101032). Advanced modeling of protein sequence and biophysical properties (such as structural, functional, and spatial information, amino acid conservation, physicochemical variation, residue mobility, and thermodynamic stability) performed at Invitae indicates that this missense variant is not expected to disrupt DOCK7 protein function. In summary, the available evidence is currently insufficient to determine the role of this variant in disease. Therefore, it has been classified as a Variant of Uncertain Significance. This variant is not present in population databases (gnomAD no frequency). This sequence change replaces alanine, which is neutral and non-polar, with threonine, which is neutral and polar, at codon 820 of the DOCK7 protein (p.Ala820Thr).